The following is an entry in ClinVar:

ClinVar aggregate classification (germline): Uncertain significance. Review status: criteria provided, multiple submitters, no conflicts (2 of 4 stars). 2 submissions from 2 submitters: Uncertain significance (2). Last evaluated 2026-08-31.

Conditions:
Hereditary cancer-predisposing syndrome. Also called: Hereditary neoplastic syndrome; Neoplastic Syndromes, Hereditary; Tumor predisposition; Hereditary Cancer Syndrome. Identifiers: Orphanet 140162, MedGen C0027672, MeSH D009386, MONDO:0015356.

Allele frequency attached by ClinVar (database versions not stated): ExAC 0.00001.
gnomAD v4.1: 1 of 1,613,882 alleles (0.000062%); highest among the groups gnomAD compares: Admixed American, 0.0017%; no homozygotes.

Submissions (2):

GeneDx
Classification: Uncertain significance. Last evaluated: 2026-08-31. Review status: criteria provided, single submitter. Criteria: GeneDx Variant Classification Process June 2021. Collection method: clinical testing. Allele origin: germline.
Comment: Not observed at significant frequency in large population cohorts (gnomAD); In silico analysis suggests that this missense variant does not alter protein structure/function; Has not been previously published as pathogenic or benign to our knowledge

Ambry Genetics
Classification: Uncertain significance for Hereditary cancer-predisposing syndrome. Last evaluated: 2023-08-29. Review status: criteria provided, single submitter. Criteria: Ambry Variant Classification Scheme 2023. Collection method: clinical testing. Allele origin: germline.
Comment: The p.K375M variant (also known as c.1124A>T), located in coding exon 7 of the MSH3 gene, results from an A to T substitution at nucleotide position 1124. The lysine at codon 375 is replaced by methionine, an amino acid with similar properties. This amino acid position is conserved. In addition, the in silico prediction for this alteration is inconclusive. Since supporting evidence is limited at this time, the clinical significance of this alteration remains unclear.

NM_002439.5(MSH3):c.1124A>T (p.Lys375Met)

Gene: MSH3 (mutS homolog 3; plus strand). Cytogenetic location: 5q14.1.
Variant type: single nucleotide variant.
Coding change: c.1124A>T on transcript NM_002439.5 (MANE Select); coding-DNA position 1124, A replaced by T.
Protein change: p.Lys375Met; replaces lysine 375 with methionine.
Molecular consequence: missense variant.
Genome position (GRCh38, 1-based): chr5:80,675,079, A>T. VCF-style: chr5-80675079-A-T. GRCh37 (hg19) VCF-style: chr5-79970898-A-T.
Other names: c.1124A>T (NM_002439.4); short protein forms K375M.
Identifiers: ClinVar variation 2586080 (VCV002586080.4), dbSNP rs773431505, ClinGen allele CA3327801.
Genomic context (GRCh38, chr5:80,675,079, plus strand): 5'-ATGTTGATGAGATAATGACTGATACTTCTACCAGCTATCTTCTGTGCATCTCTGAAAATA[A>T]GGAAAATGTTAGGGACAAAAAAAAGGGCAACATTTTTATTGGCATTGTGGTAAGTACTTT-3'
Protein context (NP_002430.3, residues 365-385): TSYLLCISEN[Lys375Met]ENVRDKKKGN